The following is an entry in ClinVar:

NM_001376.5(DYNC1H1):c.8644A>G (p.Ile2882Val)

Gene: DYNC1H1 (dynein cytoplasmic 1 heavy chain 1; plus strand). Cytogenetic location: 14q32.31.
Variant type: single nucleotide variant.
Coding change: c.8644A>G on transcript NM_001376.5 (MANE Select); coding-DNA position 8644, A replaced by G.
Protein change: p.Ile2882Val; replaces isoleucine 2882 with valine.
Molecular consequence: missense variant.
Genome position (GRCh38, 1-based): chr14:102,026,580, A>G. VCF-style: chr14-102026580-A-G. GRCh37 (hg19) VCF-style: chr14-102492917-A-G.
Other names: short protein forms I2882V.
Identifiers: ClinVar variation 3679037 (VCV003679037.2).

ClinVar aggregate classification (germline): Uncertain significance (1 of 4 stars; one submission).

Conditions:
Charcot-Marie-Tooth disease axonal type 2O. Also called: CHARCOT-MARIE-TOOTH NEUROPATHY, AXONAL, TYPE 2O; CHARCOT-MARIE-TOOTH DISEASE, AXONAL, AUTOSOMAL DOMINANT, TYPE 2O; Charcot-Marie-Tooth Neuropathy Type 2O; Charcot-Marie-Tooth disease, axonal, type 20. Identifiers: Orphanet 284232, MedGen C3280220, MONDO:0013644, OMIM 614228.

Submission:

Labcorp Genetics (formerly Invitae), Labcorp
Classification: Uncertain significance for Charcot-Marie-Tooth disease axonal type 2O. Last evaluated: 2024-12-12. Review status: criteria provided, single submitter. Criteria: Invitae Variant Classification Sherloc (09022015). Collection method: clinical testing. Allele origin: germline.
Comment: This sequence change replaces isoleucine, which is neutral and non-polar, with valine, which is neutral and non-polar, at codon 2882 of the DYNC1H1 protein (p.Ile2882Val). This variant is not present in population databases (gnomAD no frequency). This variant has not been reported in the literature in individuals affected with DYNC1H1-related conditions. Invitae Evidence Modeling of protein sequence and biophysical properties (such as structural, functional, and spatial information, amino acid conservation, physicochemical variation, residue mobility, and thermodynamic stability) indicates that this missense variant is not expected to disrupt DYNC1H1 protein function with a negative predictive value of 95%. In summary, the available evidence is currently insufficient to determine the role of this variant in disease. Therefore, it has been classified as a Variant of Uncertain Significance.